The following is an entry in ClinVar:

NM_002361.4(MAG):c.1777C>G (p.Leu593Val)

Gene: MAG (myelin associated glycoprotein; plus strand). Cytogenetic location: 19q13.12.
Variant type: single nucleotide variant.
Coding change: c.1777C>G on transcript NM_002361.4 (MANE Select); coding-DNA position 1777, C replaced by G.
Protein change: p.Leu593Val; replaces leucine 593 with valine.
Molecular consequence: missense variant. On other transcripts: 3 prime UTR variant (1).
Genome position (GRCh38, 1-based): chr19:35,313,350, C>G. VCF-style: chr19-35313350-C-G. GRCh37 (hg19) VCF-style: chr19-35804253-C-G.
Other names: c.1702C>G, p.Leu568Val (NM_001199216.2); c.*73C>G (NM_080600.3); short protein forms L568V, L593V.
Identifiers: ClinVar variation 1429995 (VCV001429995.5), dbSNP rs752836680, ClinGen allele CA9376417.
Genomic context (GRCh38, chr19:35,313,350, plus strand): 5'-AGCGAGAGGCGCCTGGGATCTGAGAGGAGGCTGCTGGGCCTTCGGGGTGAGCCCCCAGAG[C>G]TGGACCTGAGCTATTCTCACTCGGACCTGGGGAAACGGCCCACCAAGGACAGCTACACGC-3'
Protein context (NP_002352.1, residues 583-603): LLGLRGEPPE[Leu593Val]DLSYSHSDLG

ClinVar aggregate classification (germline): Uncertain significance (1 of 4 stars; one submission).

Conditions:
Hereditary spastic paraplegia 75. Also called: Spastic paraplegia 75, autosomal recessive. Identifiers: Orphanet 459056, MedGen C4225250, MONDO:0014729, OMIM 616680.

Allele frequency attached by ClinVar (database versions not stated): gnomAD exomes 0.00001 and 0.00002; ExAC 0.00002.
gnomAD v4.1: 8 of 1,614,188 alleles (0.0005%); highest among the groups gnomAD compares: Admixed American, 0.012%; no homozygotes.

Submission:

Labcorp Genetics (formerly Invitae), Labcorp
Classification: Uncertain significance for Hereditary spastic paraplegia 75. Last evaluated: 2024-12-02. Review status: criteria provided, single submitter. Criteria: Invitae Variant Classification Sherloc (09022015). Collection method: clinical testing. Allele origin: germline.
Comment: This sequence change replaces leucine, which is neutral and non-polar, with valine, which is neutral and non-polar, at codon 593 of the MAG protein (p.Leu593Val). This variant is present in population databases (rs752836680, gnomAD 0.01%). This variant has not been reported in the literature in individuals affected with MAG-related conditions. ClinVar contains an entry for this variant (Variation ID: 1429995). An algorithm developed to predict the effect of missense changes on protein structure and function (PolyPhen-2) suggests that this variant is likely to be tolerated. In summary, the available evidence is currently insufficient to determine the role of this variant in disease. Therefore, it has been classified as a Variant of Uncertain Significance.